The following is an entry in ClinVar:

NM_024596.5(MCPH1):c.233+139A>C

Gene: MCPH1 (microcephalin 1; plus strand). Cytogenetic location: 8p23.1.
Variant type: single nucleotide variant.
Coding change: c.233+139A>C on transcript NM_024596.5 (MANE Select); 139 bases into the intron after coding-DNA position 233, A replaced by C.
Molecular consequence: intron variant.
Genome position (GRCh38, 1-based): chr8:6,415,022, A>C. VCF-style: chr8-6415022-A-C. GRCh37 (hg19) VCF-style: chr8-6272543-A-C.
Other names: c.233+139A>C (NM_001322042.2, NM_001363980.2, NM_001363979.1 and 2 more transcripts); c.227+139A>C (NM_001322043.2); c.131+139A>C (NM_001322045.2).
Identifiers: ClinVar variation 683150 (VCV000683150.2), dbSNP rs55687318, ClinGen allele CA171365263.
Genomic context (GRCh38, chr8:6,415,022, plus strand): 5'-GAACCAGATAAAGTTTGATTTTCATCTTTTCTCTGCCTCTTACCTCACCTAGTAATTTGA[A>C]ATCCTCCAGCCTCAATTTCTGTGGTTCAAAAATGGTCATGCTATAATACCTAACTCTGCC-3'

ClinVar aggregate classification (germline): Benign. Review status: criteria provided, multiple submitters, no conflicts (2 of 4 stars). 2 submissions from 2 submitters: Benign (2). Last evaluated 2018-06-16.

Allele frequency attached by ClinVar (database versions not stated): 1000 Genomes Project 30x 0.96721; TOPMed 0.96921; 1000 Genomes Project 0.97025; gnomAD exomes 0.99626.
gnomAD v4.1: 841,240 of 848,270 alleles (99%); highest among the groups gnomAD compares: East Asian, 100%; 417,406 homozygotes.

Submissions (2):

GeneDx
Classification: Benign. Last evaluated: 2018-06-16. Review status: criteria provided, single submitter. Criteria: GeneDx Variant Classification (06012015). Collection method: clinical testing. Allele origin: germline. Affected: yes.
Comment: This variant is considered likely benign or benign based on one or more of the following criteria: it is a conservative change, it occurs at a poorly conserved position in the protein, it is predicted to be benign by multiple in silico algorithms, and/or has population frequency not consistent with disease.

Breakthrough Genomics
Classification: Benign. Review status: criteria provided, single submitter. Criteria: ACMG Guidelines, 2015. Collection method: not provided. Allele origin: germline. Inheritance: Autosomal recessive inheritance. Affected: yes.